The following is an entry in ClinVar:

NM_001148.6(ANK2):c.11859+1279T>A

Gene: ANK2 (ankyrin 2; plus strand). Cytogenetic location: 4q26.
Variant type: single nucleotide variant.
Coding change: c.11859+1279T>A on transcript NM_001148.6 (MANE Select); 1279 bases into the intron after coding-DNA position 11859, T replaced by A.
Molecular consequence: intron variant.
Genome position (GRCh38, 1-based): chr4:113,374,728, T>A. VCF-style: chr4-113374728-T-A. GRCh37 (hg19) VCF-style: chr4-114295884-T-A.
Other names: c.5442+1279T>A (NM_001354262.2); c.5277+1555T>A (NM_001354275.2); c.5380-36T>A (NM_001354253.2); c.5379+1279T>A (NM_001354270.2); c.5344-36T>A (NM_001354257.2); c.5419-36T>A (NM_001354249.2); c.5418+1279T>A (NM_001354266.2, NM_001354267.2); c.5253+1555T>A (NM_001354276.2, NM_001386162.1); and 60 more.
Identifiers: ClinVar variation 3239284 (VCV003239284.19), dbSNP rs895457906.

ClinVar aggregate classification (germline): Likely benign (1 of 4 stars; one submission).

Allele frequency attached by ClinVar (database versions not stated): gnomAD 0.00013; TOPMed 0.00017; gnomAD exomes 0.00026.
gnomAD v4.1: 238 of 1,007,832 alleles (0.024%); highest among the groups gnomAD compares: Non-Finnish European, 0.028%; 1 homozygote.

Submission:

CeGaT Center for Human Genetics Tuebingen
Classification: Likely benign. Last evaluated: 2024-05-01. Review status: criteria provided, single submitter. Criteria: CeGaT Center For Human Genetics Tuebingen Variant Classification Criteria Version 2. Collection method: clinical testing. Allele origin: germline. Affected: yes. Observed: 1 variant allele.
Comment: ANK2: BP4